The following is an entry in ClinVar:

ClinVar aggregate classification (germline): Uncertain significance (1 of 4 stars; one submission).

Conditions:
Alstrom syndrome (ALMS). Identifiers: Orphanet 64, MedGen C0268425, MONDO:0008763, OMIM 203800.

Submission:

Labcorp Genetics (formerly Invitae), Labcorp
Classification: Uncertain significance for Alstrom syndrome. Last evaluated: 2020-01-27. Review status: criteria provided, single submitter. Criteria: Invitae Variant Classification Sherloc (09022015). Collection method: clinical testing. Allele origin: germline.
Comment: In summary, the available evidence is currently insufficient to determine the role of this variant in disease. Therefore, it has been classified as a Variant of Uncertain Significance. Algorithms developed to predict the effect of missense changes on protein structure and function (SIFT, PolyPhen-2, Align-GVGD) all suggest that this variant is likely to be tolerated, but these predictions have not been confirmed by published functional studies and their clinical significance is uncertain. This variant has not been reported in the literature in individuals with ALMS1-related disease. This variant is not present in population databases (ExAC no frequency). This sequence change replaces threonine with asparagine at codon 3099 of the ALMS1 protein (p.Thr3099Asn). The threonine residue is moderately conserved and there is a small physicochemical difference between threonine and asparagine.

NM_001378454.1(ALMS1):c.9293C>A (p.Thr3098Asn)

Gene: ALMS1 (ALMS1 centrosome and basal body associated protein; plus strand). Cytogenetic location: 2p13.1.
Variant type: single nucleotide variant.
Coding change: c.9293C>A on transcript NM_001378454.1 (MANE Select); coding-DNA position 9293, C replaced by A.
Protein change: p.Thr3098Asn; replaces threonine 3098 with asparagine.
Molecular consequence: missense variant.
Genome position (GRCh38, 1-based): chr2:73,491,252, C>A. VCF-style: chr2-73491252-C-A. GRCh37 (hg19) VCF-style: chr2-73718379-C-A.
Other names: c.9296C>A, p.Thr3099Asn (NM_015120.4); short protein forms T3099N, T3098N.
Identifiers: ClinVar variation 529366 (VCV000529366.7), dbSNP rs1553409866, ClinGen allele CA347273959.